The following is an entry in ClinVar:

ClinVar aggregate classification (germline): Uncertain significance (1 of 4 stars; one submission).

Conditions:
Inborn genetic diseases. Identifiers: MedGen C0950123, MeSH D030342.

Submission:

Ambry Genetics
Classification: Uncertain significance for Inborn genetic diseases. Last evaluated: 2022-12-23. Review status: criteria provided, single submitter. Criteria: Ambry Variant Classification Scheme 2023. Collection method: clinical testing. Allele origin: germline.
Comment: The p.Q358L variant (also known as c.1073A>T), located in coding exon 9 of the EPAS1 gene, results from an A to T substitution at nucleotide position 1073. The glutamine at codon 358 is replaced by leucine, an amino acid with dissimilar properties. This amino acid position is conserved. In addition, the in silico prediction for this alteration is inconclusive. Since supporting evidence is limited at this time, the clinical significance of this alteration remains unclear.

NM_001430.5(EPAS1):c.1073A>T (p.Gln358Leu)

Gene: EPAS1 (endothelial PAS domain protein 1; plus strand). Cytogenetic location: 2p21.
Variant type: single nucleotide variant.
Coding change: c.1073A>T on transcript NM_001430.5 (MANE Select); coding-DNA position 1073, A replaced by T.
Protein change: p.Gln358Leu; replaces glutamine 358 with leucine.
Molecular consequence: missense variant.
Genome position (GRCh38, 1-based): chr2:46,376,577, A>T. VCF-style: chr2-46376577-A-T. GRCh37 (hg19) VCF-style: chr2-46603716-A-T.
Other names: short protein forms Q358L.
Identifiers: ClinVar variation 3221518 (VCV003221518.1), dbSNP rs2546471291, ClinGen allele CA346703121.